The following is an entry in ClinVar:

ClinVar aggregate classification (germline): Pathogenic (1 of 4 stars; one submission).

Conditions:
Dyskeratosis congenita, autosomal dominant 2. Identifiers: MedGen C3151443, MONDO:0013521, OMIM 613989.
Idiopathic Pulmonary Fibrosis. Also called: Idiopathic fibrosing alveolitis, chronic form; idiopathic fibrosing alveolitis. Identifiers: Orphanet 2032, MedGen C1800706, MeSH D054990, MONDO:0800504.

Submission:

Labcorp Genetics (formerly Invitae), Labcorp
Classification: Pathogenic for Dyskeratosis congenita, autosomal dominant 2; Idiopathic Pulmonary Fibrosis. Last evaluated: 2023-09-29. Review status: criteria provided, single submitter. Criteria: Invitae Variant Classification Sherloc (09022015). Collection method: clinical testing. Allele origin: germline.
Comment: For these reasons, this variant has been classified as Pathogenic. This variant has not been reported in the literature in individuals affected with TERT-related conditions. This variant is not present in population databases (gnomAD no frequency). This sequence change creates a premature translational stop signal (p.Thr1030Hisfs*18) in the TERT gene. It is expected to result in an absent or disrupted protein product. Loss-of-function variants in TERT are known to be pathogenic (PMID: 16247010, 17460043).

Literature cited by the submitters: PubMed 16247010; PubMed 17460043.

NM_198253.3(TERT):c.3087del (p.Thr1030fs)

Gene: TERT (telomerase reverse transcriptase; minus strand). Cytogenetic location: 5p15.33.
Variant type: Deletion.
Coding change: c.3087del on transcript NM_198253.3 (MANE Select); coding-DNA position 3087, one base deleted (C; older notation c.3087delC).
Protein change: p.Thr1030fs; shifts the reading frame from threonine 1030.
Molecular consequence: frameshift variant. On other transcripts: non-coding transcript variant (2).
Genome position (GRCh38, 1-based): chr5:1,255,357, G deleted on the plus strand (C on the coding strand, the reverse complement: TERT is on the minus strand); the first of 4 consecutive G bases (chr5:1,255,357-1,255,360); deleting any one gives the same sequence. VCF-style (leftmost placement, unchanged base first): chr5-1255356-TG-T. GRCh37 (hg19) VCF-style: chr5-1255471-TG-T.
Other names: c.2898del, p.Thr967fs (NM_001193376.3); c.3084delC, p.Thr1030Hisfs (NM_003219.1); short protein forms T1030fs, T967fs.
Identifiers: ClinVar variation 2952283 (VCV002952283.3), dbSNP rs1156940293, ClinGen allele CA2740091656.